The following is an entry in ClinVar:

ClinVar aggregate classification (germline): Uncertain significance. Review status: criteria provided, multiple submitters, no conflicts (2 of 4 stars). 2 submissions from 2 submitters: Uncertain significance (2). Last evaluated 2024-11-20.

Conditions:
Hereditary pancreatitis (PCTT). Also called: Hereditary chronic pancreatitis; PRSS1-Related Hereditary Pancreatitis. Identifiers: Orphanet 676, MedGen C0238339, MONDO:0008185, OMIM 167800.

Allele frequency attached by ClinVar (database versions not stated): gnomAD exomes below 0.00001.
gnomAD v4.1: 1 of 1,614,142 alleles (0.000062%); highest among the groups gnomAD compares: Admixed American, 0.0017%; no homozygotes.

Submissions (2):

Labcorp Genetics (formerly Invitae), Labcorp
Classification: Uncertain significance for Hereditary pancreatitis. Last evaluated: 2024-11-20. Review status: criteria provided, single submitter. Criteria: Invitae Variant Classification Sherloc (09022015). Collection method: clinical testing. Allele origin: germline.
Comment: This sequence change replaces asparagine, which is neutral and polar, with serine, which is neutral and polar, at codon 207 of the PRSS1 protein (p.Asn207Ser). This variant is not present in population databases (gnomAD no frequency). This variant has not been reported in the literature in individuals affected with PRSS1-related conditions. ClinVar contains an entry for this variant (Variation ID: 1752202). Invitae Evidence Modeling of protein sequence and biophysical properties (such as structural, functional, and spatial information, amino acid conservation, physicochemical variation, residue mobility, and thermodynamic stability) indicates that this missense variant is not expected to disrupt PRSS1 protein function with a negative predictive value of 80%. In summary, the available evidence is currently insufficient to determine the role of this variant in disease. Therefore, it has been classified as a Variant of Uncertain Significance.

Ambry Genetics
Classification: Uncertain significance for Hereditary pancreatitis. Last evaluated: 2024-08-18. Review status: criteria provided, single submitter. Criteria: Ambry Variant Classification Scheme 2023. Collection method: clinical testing. Allele origin: germline.
Comment: The p.N207S variant (also known as c.620A>G), located in coding exon 5 of the PRSS1 gene, results from an A to G substitution at nucleotide position 620. The asparagine at codon 207 is replaced by serine, an amino acid with highly similar properties. This amino acid position is conserved. In addition, this alteration is predicted to be tolerated by in silico analysis. Since supporting evidence is limited at this time, the clinical significance of this alteration remains unclear.

NM_002769.5(PRSS1):c.620A>G (p.Asn207Ser)

Genes: TRB (T cell receptor beta locus; plus strand), PRSS1 (serine protease 1; plus strand). Cytogenetic location: 7q34.
Variant type: single nucleotide variant.
Coding change: c.620A>G on transcript NM_002769.5 (MANE Select); coding-DNA position 620, A replaced by G.
Protein change: p.Asn207Ser; replaces asparagine 207 with serine.
Molecular consequence: missense variant. On other transcripts: non-coding transcript variant (5).
Genome position (GRCh38, 1-based): chr7:142,752,896, A>G. VCF-style: chr7-142752896-A-G. GRCh37 (hg19) VCF-style: chr7-142460747-A-G.
Other names: short protein forms N207S.
Identifiers: ClinVar variation 1752202 (VCV001752202.7), dbSNP rs2485768643, ClinGen allele CA369610620.